The following is an entry in ClinVar:

ClinVar aggregate classification (germline): Uncertain significance (1 of 4 stars; one submission).

Conditions:
Hyper-IgM syndrome type 1. Also called: Hyper-IgM Immunodeficiency Syndrome, Type 1; Immunodeficiency, X-linked, with hyper-IgM; CD40 Ligand Deficiency; X-linked hyper-IgM syndrome. Identifiers: Orphanet 101088, MedGen C0398689, MONDO:0010626, OMIM 308230.

Submission:

Labcorp Genetics (formerly Invitae), Labcorp
Classification: Uncertain significance for Hyper-IgM syndrome type 1. Last evaluated: 2023-11-19. Review status: criteria provided, single submitter. Criteria: Invitae Variant Classification Sherloc (09022015). Collection method: clinical testing. Allele origin: germline.
Comment: This sequence change replaces valine, which is neutral and non-polar, with alanine, which is neutral and non-polar, at codon 247 of the CD40LG protein (p.Val247Ala). This variant is not present in population databases (gnomAD no frequency). This variant has not been reported in the literature in individuals affected with CD40LG-related conditions. Advanced modeling of protein sequence and biophysical properties (such as structural, functional, and spatial information, amino acid conservation, physicochemical variation, residue mobility, and thermodynamic stability) has been performed at Invitae for this missense variant, however the output from this modeling did not meet the statistical confidence thresholds required to predict the impact of this variant on CD40LG protein function. In summary, the available evidence is currently insufficient to determine the role of this variant in disease. Therefore, it has been classified as a Variant of Uncertain Significance.

NM_000074.3(CD40LG):c.740T>C (p.Val247Ala)

Gene: CD40LG (CD40 ligand; plus strand). Cytogenetic location: Xq26.3.
Variant type: single nucleotide variant.
Coding change: c.740T>C on transcript NM_000074.3 (MANE Select); coding-DNA position 740, T replaced by C.
Protein change: p.Val247Ala; replaces valine 247 with alanine.
Molecular consequence: missense variant.
Genome position (GRCh38, 1-based): chrX:136,659,369, T>C. VCF-style: chrX-136659369-T-C. GRCh37 (hg19) VCF-style: chrX-135741528-T-C.
Other names: short protein forms V247A.
Identifiers: ClinVar variation 2695333 (VCV002695333.3), dbSNP rs2522118597, ClinGen allele CA414756934.
Genomic context (GRCh38, chrX:136,659,369, plus strand): 5'-GAGTATTTGAATTGCAACCAGGTGCTTCGGTGTTTGTCAATGTGACTGATCCAAGCCAAG[T>C]GAGCCATGGCACTGGCTTCACGTCCTTTGGCTTACTCAAACTCTGAACAGTGTCACCTTG-3'
Protein context (NP_000065.1, residues 237-257): VFVNVTDPSQ[Val247Ala]SHGTGFTSFG